The following is an entry in ClinVar:

NM_003072.5(SMARCA4):c.2194T>G (p.Tyr732Asp)

Gene: SMARCA4 (SWI/SNF related BAF chromatin remodeling complex subunit ATPase 4; plus strand). Cytogenetic location: 19p13.2.
Variant type: single nucleotide variant.
Coding change: c.2194T>G on transcript NM_003072.5 (MANE Select); coding-DNA position 2194, T replaced by G.
Protein change: p.Tyr732Asp; replaces tyrosine 732 with aspartic acid.
Molecular consequence: missense variant. On other transcripts: non-coding transcript variant (1).
Genome position (GRCh38, 1-based): chr19:11,010,451, T>G. VCF-style: chr19-11010451-T-G. GRCh37 (hg19) VCF-style: chr19-11121127-T-G.
Other names: c.2194T>G, p.Tyr732Asp (NM_001128844.3, NM_001128845.2, NM_001128846.2 and 6 more transcripts); short protein forms Y732D.
Identifiers: ClinVar variation 3601964 (VCV003601964.3).

ClinVar aggregate classification (germline): Pathogenic (1 of 4 stars; one submission).

Conditions:
Coffin-Siris syndrome. Identifiers: Orphanet 1465, MedGen C0265338, MONDO:0015452.

Submission:

Plataforma de Genómica Funcional - SJD, Institut De Recerca Sant Joan De Déu
Classification: Pathogenic for Coffin-Siris syndrome. Last evaluated: 2025-01-30. Review status: criteria provided, single submitter. Criteria: ACMG Guidelines, 2015. Collection method: clinical testing. Allele origin: de novo. Inheritance: Autosomal dominant inheritance. Affected: yes. Observed: 1 variant allele, 1 heterozygote.
Comment: The c.2194T>G variant (NM_001128849.1) in SMARCA4 is a missense variant predicted to cause an amino acid change of Tyrosine by Aspartate at position 732 in the protein sequence (p.(Tyr732Asp)). The variant is absent from population databases (gnomAD v2.1) (PM2_Supporting). This variant has been identified as de novo with confirmed parental relationships in one individual with Coffin-Siris syndrome (PS2]; PMIDs: 33223419, Internal lab contributor). Functional studies performed in SH-SY5Y cells were conducted at the Neurogenetics and Molecular Medicine Laboratory and showed alteration of protein localization and G2/M cell cycle phase, indicating that this variant impacts protein function (PMID: 33223419) (PS3). The computational predictor REVEL and CADD unanimously support a deleterious effect on the gene (REVEL score of 0.94, CADD score of 26.1) (PP3_moderate). SMARCA4 has a missense Z-score in gnomAD v2.1 of 6.85 which is above the threshold set by the ClinGen SVI guidelines (PP2). Other missense variants [ClinVar Variation ID: 2841082, 2888787] in the same codon have been classified as pathogenic and likely pathogenic (PM5). In summary, this variant meets the criteria to be classified as Pathogenic based on the ACMG/AMP criteria applied.